The following is an entry in ClinVar:

ClinVar aggregate classification (germline): Likely pathogenic (0 of 4 stars; one submission).

Conditions:
POLR1C-related disorder. Also called: POLR1C-related disorders; POLR1C-related condition. Identifiers: MedGen CN239394, MONDO:0700278.

Submission:

PreventionGenetics, part of Exact Sciences
Classification: Likely pathogenic for POLR1C-related condition. Last evaluated: 2024-02-13. Review status: no assertion criteria provided. Collection method: clinical testing. Allele origin: germline.
Comment: The POLR1C c.685delG variant is predicted to result in a frameshift and premature protein termination (p.Ala229Glnfs*25). To our knowledge, this variant has not been reported in the literature or in a large population database, indicating this variant is rare. Frameshift variants in POLR1C are expected to be pathogenic. This variant is interpreted as likely pathogenic.

NM_203290.4(POLR1C):c.685del (p.Ala229fs)

Gene: POLR1C (RNA polymerase I and III subunit C; plus strand). Cytogenetic location: 6p21.1.
Variant type: Deletion.
Coding change: c.685del on transcript NM_203290.4 (MANE Select); coding-DNA position 685, one base deleted (G; older notation c.685delG).
Protein change: p.Ala229fs; shifts the reading frame from alanine 229.
Molecular consequence: frameshift variant.
Genome position (GRCh38, 1-based): chr6:43,520,654, G deleted; the last of 2 consecutive G bases (chr6:43,520,653-43,520,654); deleting either gives the same sequence. VCF-style (leftmost placement, unchanged base first): chr6-43520652-TG-T. GRCh37 (hg19) VCF-style: chr6-43488390-TG-T.
Other names: c.685del, p.Ala229fs (NM_001318876.2, NM_001363658.2); short protein forms A229fs.
Identifiers: ClinVar variation 3061134 (VCV003061134.2), dbSNP rs2482891698, ClinGen allele CA2740091340.